The following is an entry in ClinVar:

NM_023036.6(DNAI2):c.265G>A (p.Glu89Lys)

Gene: DNAI2 (dynein axonemal intermediate chain 2; plus strand). Cytogenetic location: 17q25.1.
Variant type: single nucleotide variant.
Coding change: c.265G>A on transcript NM_023036.6 (MANE Select); coding-DNA position 265, G replaced by A.
Protein change: p.Glu89Lys; replaces glutamic acid 89 with lysine.
Molecular consequence: missense variant. On other transcripts: non-coding transcript variant (1).
Genome position (GRCh38, 1-based): chr17:74,285,121, G>A. VCF-style: chr17-74285121-G-A. GRCh37 (hg19) VCF-style: chr17-72281260-G-A.
Other names: c.265G>A, p.Glu89Lys (NM_001172810.3, NM_001353167.2); short protein forms E89K.
Identifiers: ClinVar variation 967834 (VCV000967834.10), dbSNP rs1200979339, ClinGen allele CA400903750.

ClinVar aggregate classification (germline): Uncertain significance. Review status: criteria provided, single submitter (1 of 4 stars). 2 submissions from 2 submitters: Uncertain significance (1). 1 of the submissions does not count toward it. Last evaluated 2021-08-31.

Conditions:
Primary ciliary dyskinesia. Also called: Ciliary dyskinesia. Identifiers: Orphanet 244, MedGen C0008780, MONDO:0016575, HP:0012265.

Allele frequency attached by ClinVar (database versions not stated): gnomAD 0.00001.
gnomAD v4.1: 4 of 1,614,246 alleles (0.00025%); highest among the groups gnomAD compares: Non-Finnish European, 0.00025%; no homozygotes.

Submissions (2):

Labcorp Genetics (formerly Invitae), Labcorp
Classification: Uncertain significance for Primary ciliary dyskinesia. Last evaluated: 2021-08-31. Review status: criteria provided, single submitter. Criteria: Invitae Variant Classification Sherloc (09022015). Collection method: clinical testing. Allele origin: germline.
Comment: This sequence change replaces glutamic acid with lysine at codon 89 of the DNAI2 protein (p.Glu89Lys). The glutamic acid residue is highly conserved and there is a small physicochemical difference between glutamic acid and lysine. This variant is not present in population databases (ExAC no frequency). This variant has not been reported in the literature in individuals affected with DNAI2-related conditions. Algorithms developed to predict the effect of missense changes on protein structure and function are either unavailable or do not agree on the potential impact of this missense change (SIFT: "Deleterious"; PolyPhen-2: "Benign"; Align-GVGD: "Class C15"). In summary, the available evidence is currently insufficient to determine the role of this variant in disease. Therefore, it has been classified as a Variant of Uncertain Significance.

Natera, Inc.
Classification: Uncertain significance for Primary ciliary dyskinesia. Last evaluated: 2020-12-09. Review status: no assertion criteria provided. Collection method: clinical testing. Allele origin: germline. Not counted in ClinVar's aggregate classification.